The following is an entry in ClinVar:

ClinVar aggregate classification (germline): Uncertain significance (1 of 4 stars; one submission).

Conditions:
Familial thoracic aortic aneurysm and aortic dissection (TAAD). Also called: Thoracic aortic aneurysms and dissections. Identifiers: Orphanet 91387, MedGen C4707243, MONDO:0019625.

gnomAD v4.1: 1 of 1,164,768 alleles (0.000086%); no homozygotes.

Submission:

Ambry Genetics
Classification: Uncertain significance for Familial thoracic aortic aneurysm and aortic dissection. Last evaluated: 2025-06-16. Review status: criteria provided, single submitter. Criteria: Ambry Variant Classification Scheme 2023. Collection method: clinical testing. Allele origin: germline.
Comment: The p.R1549C variant (also known as c.4645C>T), located in coding exon 34 of the MED12 gene, results from a C to T substitution at nucleotide position 4645. The arginine at codon 1549 is replaced by cysteine, an amino acid with highly dissimilar properties. This amino acid position is conserved. In addition, this alteration is predicted to be deleterious by in silico analysis. Based on the available evidence, the clinical significance of this variant remains unclear.

NM_005120.3(MED12):c.4645C>T (p.Arg1549Cys)

Gene: MED12 (mediator complex subunit 12; plus strand). Cytogenetic location: Xq13.1.
Variant type: single nucleotide variant.
Coding change: c.4645C>T on transcript NM_005120.3 (MANE Select); coding-DNA position 4645, C replaced by T.
Protein change: p.Arg1549Cys; replaces arginine 1549 with cysteine.
Molecular consequence: missense variant.
Genome position (GRCh38, 1-based): chrX:71,134,384, C>T. VCF-style: chrX-71134384-C-T. GRCh37 (hg19) VCF-style: chrX-70354234-C-T.
Other names: short protein forms R1549C.
Identifiers: ClinVar variation 4105985 (VCV004105985.1).